The following is an entry in ClinVar:

ClinVar aggregate classification (germline): Uncertain significance (1 of 4 stars; one submission).

Conditions:
Cardiomyopathy (CMYO). Also called: Cardiomyopathies. Identifiers: Orphanet 167848, MedGen C0878544, MONDO:0004994, HP:0001638. Inheritance: Various modes of inheritance.

Allele frequency attached by ClinVar (database versions not stated): gnomAD 0.00001; TOPMed 0.00002.
gnomAD v4.1: 2 of 1,613,594 alleles (0.00012%); highest among the groups gnomAD compares: Non-Finnish European, 0.00017%; no homozygotes.

Submission:

Color Diagnostics, LLC DBA Color Health
Classification: Uncertain significance for Cardiomyopathy. Last evaluated: 2023-11-13. Review status: criteria provided, single submitter. Criteria: ACMG Guidelines, 2015. Collection method: clinical testing. Allele origin: germline.
Comment: This missense variant replaces alanine with serine at codon 886 of the RYR2 protein. Computational prediction suggests that this variant may have deleterious impact on protein structure and function (internally defined REVEL score threshold >= 0.7, PMID: 27666373). To our knowledge, functional studies have not been reported for this variant. This variant has not been reported in individuals affected with RYR2-related disorders in the literature. This variant has not been identified in the general population by the Genome Aggregation Database (gnomAD). The available evidence is insufficient to determine the role of this variant in disease conclusively. Therefore, this variant is classified as a Variant of Uncertain Significance.

NM_001035.3(RYR2):c.2656G>T (p.Ala886Ser)

Gene: RYR2 (ryanodine receptor 2; plus strand). Cytogenetic location: 1q43.
Variant type: single nucleotide variant.
Coding change: c.2656G>T on transcript NM_001035.3 (MANE Select); coding-DNA position 2656, G replaced by T.
Protein change: p.Ala886Ser; replaces alanine 886 with serine.
Molecular consequence: missense variant.
Genome position (GRCh38, 1-based): chr1:237,506,752, G>T. VCF-style: chr1-237506752-G-T. GRCh37 (hg19) VCF-style: chr1-237670052-G-T.
Other names: short protein forms A886S.
Identifiers: ClinVar variation 2774272 (VCV002774272.2), dbSNP rs752663219, ClinGen allele CA008918.